The following is an entry in ClinVar:

ClinVar aggregate classification (germline): Uncertain significance. Review status: criteria provided, multiple submitters, no conflicts (2 of 4 stars). 3 submissions from 3 submitters: Uncertain significance (3). Last evaluated 2021-09-01.

Conditions:
Immunodeficiency, common variable, 2 (CVID2). Also called: HYPOGAMMAGLOBULINEMIA DUE TO TACI DEFICIENCY; ANTIBODY DEFICIENCY DUE TO TACI DEFECT. Identifiers: Orphanet 1572, MedGen C3150354, MONDO:0009413, OMIM 240500.

Allele frequency attached by ClinVar (database versions not stated): ExAC 0.00001; gnomAD 0.00001; gnomAD exomes 0.00002 and 0.00004; TOPMed 0.00003.
gnomAD v4.1: 65 of 1,614,058 alleles (0.004%); highest among the groups gnomAD compares: Non-Finnish European, 0.0053%; no homozygotes.

Submissions (3):

Labcorp Genetics (formerly Invitae), Labcorp
Classification: Uncertain significance for Immunodeficiency, common variable, 2. Last evaluated: 2021-09-01. Review status: criteria provided, single submitter. Criteria: Invitae Variant Classification Sherloc (09022015). Collection method: clinical testing. Allele origin: germline.
Comment: This sequence change replaces proline with arginine at codon 97 of the TNFRSF13B protein (p.Pro97Arg). The proline residue is highly conserved and there is a moderate physicochemical difference between proline and arginine. This variant is present in population databases (rs754139414, ExAC 0.001%). This variant has not been reported in the literature in individuals affected with TNFRSF13B-related conditions. Algorithms developed to predict the effect of missense changes on protein structure and function (SIFT, PolyPhen-2, Align-GVGD) all suggest that this variant is likely to be disruptive. Algorithms developed to predict the effect of sequence changes on RNA splicing suggest that this variant may create or strengthen a splice site. In summary, the available evidence is currently insufficient to determine the role of this variant in disease. Therefore, it has been classified as a Variant of Uncertain Significance.

CeGaT Center for Human Genetics Tuebingen
Classification: Uncertain significance. Last evaluated: 2021-02-01. Review status: criteria provided, single submitter. Criteria: CeGaT Center For Human Genetics Tuebingen Variant Classification Criteria Version 2. Collection method: clinical testing. Allele origin: germline. Affected: yes. Observed: 3 variant alleles.

GeneDx
Classification: Uncertain significance. Last evaluated: 2020-12-11. Review status: criteria provided, single submitter. Criteria: GeneDx Variant Classification Process June 2021. Collection method: clinical testing. Allele origin: germline. Affected: yes.
Comment: In silico analysis supports that this missense variant has a deleterious effect on protein structure/function; In addition, in silico splice predictors suggest this variant may lead to abnormal gene splicing. In the absence of RNA/functional studies, the actual effect of this sequence change is unknown; Has not been previously published as pathogenic or benign to our knowledge

NM_012452.3(TNFRSF13B):c.290C>G (p.Pro97Arg)

Gene: TNFRSF13B (TNF receptor superfamily member 13B; minus strand). Cytogenetic location: 17p11.2.
Variant type: single nucleotide variant.
Coding change: c.290C>G on transcript NM_012452.3 (MANE Select); coding-DNA position 290, C replaced by G.
Protein change: p.Pro97Arg; replaces proline 97 with arginine.
Molecular consequence: missense variant.
Genome position (GRCh38, 1-based): chr17:16,948,893, G>C on the plus strand (C>G on the coding strand, the complement: TNFRSF13B is on the minus strand). VCF-style: chr17-16948893-G-C. GRCh37 (hg19) VCF-style: chr17-16852207-G-C.
Other names: short protein forms P97R.
Identifiers: ClinVar variation 538711 (VCV000538711.47), dbSNP rs754139414, ClinGen allele CA8414050.